The following is an entry in ClinVar:

ClinVar aggregate classification (germline): Uncertain significance (1 of 4 stars; one submission).

Conditions:
Inborn genetic diseases. Identifiers: MedGen C0950123, MeSH D030342.

Submission:

Ambry Genetics
Classification: Uncertain significance for Inborn genetic diseases. Last evaluated: 2021-09-08. Review status: criteria provided, single submitter. Criteria: Ambry Variant Classification Scheme 2023. Collection method: clinical testing. Allele origin: germline.
Comment: The p.N307H variant (also known as c.919A>C), located in coding exon 10 of the ERCC2 gene, results from an A to C substitution at nucleotide position 919. The asparagine at codon 307 is replaced by histidine, an amino acid with similar properties. This amino acid position is conserved. In addition, the in silico prediction for this alteration is inconclusive. Since supporting evidence is limited at this time, the clinical significance of this alteration remains unclear.

NM_000400.4(ERCC2):c.919A>C (p.Asn307His)

Gene: ERCC2 (ERCC excision repair 2, TFIIH core complex helicase subunit; minus strand). Cytogenetic location: 19q13.32.
Variant type: single nucleotide variant.
Coding change: c.919A>C on transcript NM_000400.4 (MANE Select); coding-DNA position 919, A replaced by C.
Protein change: p.Asn307His; replaces asparagine 307 with histidine.
Molecular consequence: missense variant.
Genome position (GRCh38, 1-based): chr19:45,364,016, T>G on the plus strand (A>C on the coding strand, the complement: ERCC2 is on the minus strand). VCF-style: chr19-45364016-T-G. GRCh37 (hg19) VCF-style: chr19-45867274-T-G.
Other names: c.847A>C, p.Asn283His (NM_001130867.2); short protein forms N283H, N307H.
Identifiers: ClinVar variation 1766132 (VCV001766132.2), dbSNP rs2123287784, ClinGen allele CA406373397.